The following is an entry in ClinVar:

NM_080425.4(GNAS):c.678T>G (p.Phe226Leu)

Gene: GNAS (GNAS complex locus; plus strand). Cytogenetic location: 20q13.32.
Variant type: single nucleotide variant.
Coding change: c.678T>G on transcript NM_080425.4 (MANE Plus Clinical); coding-DNA position 678, T replaced by G.
Protein change: p.Phe226Leu; replaces phenylalanine 226 with leucine.
Molecular consequence: missense variant. On other transcripts: intron variant (3), genic upstream transcript variant (1).
Genome position (GRCh38, 1-based): chr20:58,853,943, T>G. VCF-style: chr20-58853943-T-G. GRCh37 (hg19) VCF-style: chr20-57428998-T-G.
Other names: c.491T>G, p.Leu164Trp (NM_001077490.3, NM_001309883.1); c.678T>G, p.Phe226Leu (NM_001410913.1); c.*42+13057T>G (NM_016592.5); c.43+13057T>G (NM_001410912.1); c.-39+12068T>G (NM_001309861.2); c.-37784T>G (NM_000516.7); short protein forms L164W, F226L.
Identifiers: ClinVar variation 134487 (VCV000134487.14), dbSNP rs201332059, ClinGen allele CA159950.

ClinVar aggregate classification (germline): Conflicting classifications of pathogenicity. Review status: criteria provided, conflicting classifications (1 of 4 stars). 6 submissions from 6 submitters: Uncertain significance (1); Likely benign (4). 1 of the submissions does not count toward it. Last evaluated 2026-05-28.

Conditions:
GNAS-related disorder. Identifiers: MedGen CN380105.

Allele frequency attached by ClinVar (database versions not stated): ExAC 0.00009; gnomAD exomes 0.00010; TOPMed 0.00015; gnomAD 0.00017 and 0.00019; ESP Exome Variant Server 0.00042.
gnomAD v4.1: 353 of 1,611,882 alleles (0.022%); highest among the groups gnomAD compares: Non-Finnish European, 0.029%; 1 homozygote.

Submissions (6):

Women's Health and Genetics/Laboratory Corporation of America, LabCorp
Classification: Likely benign. Last evaluated: 2026-05-28. Review status: criteria provided, single submitter. Criteria: LabCorp Variant Classification Summary - May 2015. Collection method: clinical testing. Allele origin: germline.
Comment: Variant summary: GNAS NM_000516 c.-37784T>G, also known as NM_080425 c.678T>G (p.Phe226Leu), is located in the untranscribed region upstream of the GNAS gene region. The variant allele was found at a frequency of 0.00022 in 1611882 control chromosomes, predominantly at a frequency of 0.00029 within the Non-Finnish European subpopulation in the gnomAD database. A total of 352 heterozygotes and 1 homozygote of this variant was observed in the gnomAD v4 database. c.-37784T>G, described as c.678T>G (p.Phe226Leu), has been observed in both components of the tumor and nonneoplastic thyroid tissue from a patient with Cribriform-morular variant of papillary thyroid carcinoma (Corean_2018), without strong evidence for causality. These report(s) do not provide unequivocal conclusions about association of the variant with disease. To our knowledge, no experimental evidence demonstrating an impact on protein function has been reported. The following publication has been ascertained in the context of this evaluation (PMID: 30176755). ClinVar contains an entry for this variant (Variation ID: 134487). Based on the evidence outlined above, the variant was classified as likely benign.

PreventionGenetics, part of Exact Sciences
Classification: Likely benign for GNAS-related condition. Last evaluated: 2024-12-30. Review status: criteria provided, single submitter. Criteria: ACMG Guidelines, 2015. Collection method: clinical testing. Allele origin: germline.
Comment: This variant is classified as likely benign based on ACMG/AMP sequence variant interpretation guidelines (Richards et al. 2015 PMID: 25741868, with internal and published modifications).

Blueprint Genetics
Classification: Likely benign. Last evaluated: 2024-11-28. Review status: criteria provided, single submitter. Criteria: ACMG Guidelines, 2015. Collection method: clinical testing. Allele origin: germline.

Labcorp Genetics (formerly Invitae), Labcorp
Classification: Likely benign. Last evaluated: 2018-01-10. Review status: criteria provided, single submitter. Criteria: Invitae Variant Classification Sherloc (09022015). Collection method: clinical testing. Allele origin: germline.

Center for Pediatric Genomic Medicine, Children's Mercy Hospital and Clinics
Classification: Uncertain significance. Last evaluated: 2016-02-01. Review status: criteria provided, single submitter. Criteria: ACMG Guidelines, 2015. Collection method: clinical testing. Allele origin: germline.
ClinVar note: Converted during submission from Uncertain Significance to Uncertain significance.

ITMI
No classification provided. Condition: AllHighlyPenetrant. Last evaluated: 2013-09-19. Review status: no classification provided. Collection method: reference population. Allele origin: germline. Not counted in ClinVar's aggregate classification.
Comment: Please see associated publication for description of ethnicities

Literature cited by the submitters: PubMed 30176755 (cited by Women's Health and Genetics/Laboratory Corporation of America, LabCorp); PubMed 24728327 (cited by ITMI).